The following is an entry in ClinVar:

NM_001458.5(FLNC):c.7342T>G (p.Ser2448Ala)

Genes: FLNC (filamin C; plus strand), FLNC-AS1 (FLNC antisense RNA 1; minus strand). Cytogenetic location: 7q32.1.
Variant type: single nucleotide variant.
Coding change: c.7342T>G on transcript NM_001458.5 (MANE Select); coding-DNA position 7342, T replaced by G.
Protein change: p.Ser2448Ala; replaces serine 2448 with alanine.
Molecular consequence: missense variant.
Genome position (GRCh38, 1-based): chr7:128,856,608, T>G. VCF-style: chr7-128856608-T-G. GRCh37 (hg19) VCF-style: chr7-128496662-T-G.
Other names: c.7243T>G, p.Ser2415Ala (NM_001127487.2); short protein forms S2415A, S2448A.
Identifiers: ClinVar variation 1462290 (VCV001462290.8), dbSNP rs2128940146, ClinGen allele CA369216875.
Genomic context (GRCh38, chr7:128,856,608, plus strand): 5'-TCCTTTGCCGTGCAGCTGAACGGTGCCCGGGGCGTGATTGATGCCCGGGTGCACACACCC[T>G]CGGGGGCTGTGGAGGAGTGCTACGTCTCTGAGCTGGACAGTGGTGAGCTGGCCCTGCCCC-3'
Protein context (NP_001449.3, residues 2438-2458): GVIDARVHTP[Ser2448Ala]GAVEECYVSE

ClinVar aggregate classification (germline): Uncertain significance (1 of 4 stars; one submission).

Conditions:
Myofibrillar myopathy 5. Also called: Filaminopathy (type); FILAMINOPATHY, AUTOSOMAL DOMINANT. Identifiers: Orphanet 171445, MedGen C1836050, MONDO:0012289, OMIM 609524.
Distal myopathy with posterior leg and anterior hand involvement. Also called: WILLIAMS DISTAL MYOPATHY. Identifiers: Orphanet 63273, MedGen C3279722, MONDO:0013550, OMIM 614065.
Hypertrophic cardiomyopathy 26. Also called: Cardiomyopathy, familial hypertrophic, 26. Identifiers: Orphanet 75249, MedGen C4310749, MONDO:0014883, OMIM 617047.

Allele frequency attached by ClinVar (database versions not stated): gnomAD exomes below 0.00001.
gnomAD v4.1: 1 of 1,612,758 alleles (0.000062%); highest among the groups gnomAD compares: Non-Finnish European, 0.000085%; no homozygotes.

Submission:

Labcorp Genetics (formerly Invitae), Labcorp
Classification: Uncertain significance for Distal myopathy with posterior leg and anterior hand involvement; Myofibrillar myopathy 5; Hypertrophic cardiomyopathy 26. Last evaluated: 2021-05-30. Review status: criteria provided, single submitter. Criteria: Invitae Variant Classification Sherloc (09022015). Collection method: clinical testing. Allele origin: germline.
Comment: This sequence change replaces serine with alanine at codon 2448 of the FLNC protein (p.Ser2448Ala). The serine residue is highly conserved and there is a moderate physicochemical difference between serine and alanine. This variant is not present in population databases (ExAC no frequency). This variant has not been reported in the literature in individuals with FLNC-related conditions. Algorithms developed to predict the effect of missense changes on protein structure and function are either unavailable or do not agree on the potential impact of this missense change (SIFT: "Deleterious"; PolyPhen-2: "Benign"; Align-GVGD: "Class C25"). In summary, the available evidence is currently insufficient to determine the role of this variant in disease. Therefore, it has been classified as a Variant of Uncertain Significance.